The following is an entry in ClinVar:

NM_001243133.2(NLRP3):c.2150+4A>G

Gene: NLRP3 (NLR family pyrin domain containing 3; plus strand). Cytogenetic location: 1q44.
Variant type: single nucleotide variant.
Coding change: c.2150+4A>G on transcript NM_001243133.2 (MANE Select); 4 bases into the intron after coding-DNA position 2150, A replaced by G.
Molecular consequence: intron variant.
Genome position (GRCh38, 1-based): chr1:247,425,603, A>G. VCF-style: chr1-247425603-A-G. GRCh37 (hg19) VCF-style: chr1-247588905-A-G.
Other names: c.2156+4A>G (NM_004895.5); c.2150+4A>G (NM_001127461.3, NM_001127462.3, NM_183395.3 and 1 more transcripts).
Identifiers: ClinVar variation 655097 (VCV000655097.8), dbSNP rs765108346, ClinGen allele CA1495123.

ClinVar aggregate classification (germline): Uncertain significance. Review status: criteria provided, multiple submitters, no conflicts (2 of 4 stars). 3 submissions from 3 submitters: Uncertain significance (3). Last evaluated 2023-12-27.

Conditions:
Cryopyrin associated periodic syndrome (CAPS). Identifiers: Orphanet 208650, MedGen C2316212, MONDO:0016168.
Familial amyloid nephropathy with urticaria AND deafness (MWS). Also called: MUCKLE-WELLS SYNDROME; Urticaria, deafness and amyloidosis; CRYOPYRIN-ASSOCIATED PERIODIC SYNDROME 2; UDA SYNDROME; URTICARIA-DEAFNESS-AMYLOIDOSIS SYNDROME. Identifiers: Orphanet 575, MedGen C0268390, MONDO:0008633, OMIM 191900.
Familial cold autoinflammatory syndrome 1 (FCAS1). Also called: CRYOPYRIN-ASSOCIATED PERIODIC SYNDROME 1; Familial cold inflammatory syndrome 1. Identifiers: Orphanet 47045, MedGen C4551895, MONDO:0007349, OMIM 120100.
Hearing loss, autosomal dominant 34, with or without inflammation. Also called: DEAFNESS, AUTOSOMAL DOMINANT 34, WITH OR WITHOUT INFLAMMATION. Identifiers: MedGen C4521680, MONDO:0033261, OMIM 617772.
Keratitis fugax hereditaria. Also called: KERATOENDOTHELIITIS FUGAX HEREDITARIA. Identifiers: Orphanet 647815, MedGen C1835697, MONDO:0007849, OMIM 148200.
Chronic infantile neurological, cutaneous and articular syndrome (CINCA). Also called: CHRONIC NEUROLOGIC CUTANEOUS AND ARTICULAR SYNDROME; Prieur Griscelli syndrome; CINCA syndrome; CRYOPYRIN-ASSOCIATED PERIODIC SYNDROME 3. Identifiers: Orphanet 1451, MedGen C0409818, MONDO:0011776, OMIM 607115.

Allele frequency attached by ClinVar (database versions not stated): gnomAD exomes below 0.00001 and 0.00002; TOPMed below 0.00001; ExAC 0.00002.
gnomAD v4.1: 6 of 1,603,606 alleles (0.00037%); highest among the groups gnomAD compares: East Asian, 0.0089%; no homozygotes.

Submissions (3):

Fulgent Genetics
Classification: Uncertain significance for Familial cold autoinflammatory syndrome 1; Keratitis fugax hereditaria; Familial amyloid nephropathy with urticaria AND deafness; Chronic infantile neurological, cutaneous and articular syndrome; Hearing loss, autosomal dominant 34, with or without inflammation. Last evaluated: 2023-12-27. Review status: criteria provided, single submitter. Criteria: ACMG Guidelines, 2015. Collection method: clinical testing. Allele origin: germline.

Labcorp Genetics (formerly Invitae), Labcorp
Classification: Uncertain significance for Cryopyrin associated periodic syndrome. Last evaluated: 2023-10-13. Review status: criteria provided, single submitter. Criteria: Invitae Variant Classification Sherloc (09022015). Collection method: clinical testing. Allele origin: germline.
Comment: This sequence change falls in intron 3 of the NLRP3 gene. It does not directly change the encoded amino acid sequence of the NLRP3 protein. It affects a nucleotide within the consensus splice site. This variant is present in population databases (rs765108346, gnomAD 0.02%). This variant has not been reported in the literature in individuals affected with NLRP3-related conditions. ClinVar contains an entry for this variant (Variation ID: 655097). Variants that disrupt the consensus splice site are a relatively common cause of aberrant splicing (PMID: 17576681, 9536098). Algorithms developed to predict the effect of sequence changes on RNA splicing suggest that this variant may disrupt the consensus splice site. In summary, the available evidence is currently insufficient to determine the role of this variant in disease. Therefore, it has been classified as a Variant of Uncertain Significance.

Blueprint Genetics
Classification: Uncertain significance. Last evaluated: 2020-08-19. Review status: criteria provided, single submitter. Criteria: ACMG Guidelines, 2015. Collection method: clinical testing. Allele origin: germline.

Literature cited by the submitters: PubMed 17576681 (cited by Labcorp Genetics (formerly Invitae), Labcorp); PubMed 9536098 (cited by Labcorp Genetics (formerly Invitae), Labcorp).